The following is an entry in ClinVar:

NM_032520.5(GNPTG):c.271C>T (p.Gln91Ter)

Gene: GNPTG (N-acetylglucosamine-1-phosphate transferase subunit gamma; plus strand). Cytogenetic location: 16p13.3.
Variant type: single nucleotide variant.
Coding change: c.271C>T on transcript NM_032520.5 (MANE Select); coding-DNA position 271, C replaced by T.
Protein change: p.Gln91Ter; replaces glutamine 91 with a stop codon.
Molecular consequence: nonsense.
Genome position (GRCh38, 1-based): chr16:1,361,909, C>T. VCF-style: chr16-1361909-C-T. GRCh37 (hg19) VCF-style: chr16-1411910-C-T.
Other names: short protein forms Q91*.
Identifiers: ClinVar variation 957366 (VCV000957366.8), dbSNP rs1394867404, ClinGen allele CA394186901.
Genomic context (GRCh38, chr16:1,361,909, plus strand): 5'-CCTCATGCCATCTGTGTCCCCAGGTACAAGTATGAGTTCTGCCCGTTCCACAACGTGACC[C>T]AGCACGAGCAGACCTTCCGCTGGAACGCCTACAGTGGGATCCTCGGGTGAGTGGGGCCGG-3'

ClinVar aggregate classification (germline): Pathogenic/Likely pathogenic. Review status: criteria provided, multiple submitters, no conflicts (2 of 4 stars). 2 submissions from 2 submitters: Pathogenic (1); Likely pathogenic (1). Last evaluated 2025-04-28.

Conditions:
GNPTG-mucolipidosis. Also called: Mucolipidosis type III gamma; ML III GAMMA; ML IIIC; MUCOLIPIDOSIS III, COMPLEMENTATION GROUP C; MUCOLIPIDOSIS III, IRANIAN VARIANT FORM; MUCOLIPIDOSIS III, VARIANT FORM. Identifiers: Orphanet 423470, Orphanet 577, MedGen C1854896, MONDO:0009652, OMIM 252605.

Allele frequency attached by ClinVar (database versions not stated): TOPMed below 0.00001; gnomAD 0.00001.
gnomAD v4.1: 1 of 1,613,696 alleles (0.000062%); highest among the groups gnomAD compares: African/African-American, 0.0013%; no homozygotes.

Submissions (2):

Labcorp Genetics (formerly Invitae), Labcorp
Classification: Pathogenic. Last evaluated: 2025-04-28. Review status: criteria provided, single submitter. Criteria: Invitae Variant Classification Sherloc (09022015). Collection method: clinical testing. Allele origin: germline.
Comment: This sequence change creates a premature translational stop signal (p.Gln91*) in the GNPTG gene. It is expected to result in an absent or disrupted protein product. Loss-of-function variants in GNPTG are known to be pathogenic (PMID: 19370764, 20301784). This variant is present in population databases (no rsID available, gnomAD 0.01%). This variant has not been reported in the literature in individuals affected with GNPTG-related conditions. ClinVar contains an entry for this variant (Variation ID: 957366). For these reasons, this variant has been classified as Pathogenic.

Natera, Inc.
Classification: Likely pathogenic for Mucolipidosis III gamma. Last evaluated: 2024-04-01. Review status: criteria provided, single submitter. Criteria: Natera Variant Classification Schema (03/2026). Collection method: clinical testing. Allele origin: germline.
Comment: The c.271C>T variant in GNPTG is a nonsense variant predicted to introduce a stop codon at amino acid 91. This variant is expected to result in nonsense mediated decay, truncation, or a dysfunctional protein product. This variant is rare in the general population with a frequency below the threshold expected for the associated phenotype(s). Given the available evidence, this variant is classified as Likely Pathogenic.

Literature cited by the submitters: PubMed 19370764 (cited by Labcorp Genetics (formerly Invitae), Labcorp); PubMed 20301784 (cited by Labcorp Genetics (formerly Invitae), Labcorp).